The following is an entry in ClinVar:

ClinVar aggregate classification (germline): Uncertain significance (1 of 4 stars; one submission).

Conditions:
Familial thoracic aortic aneurysm and aortic dissection (TAAD). Also called: Thoracic aortic aneurysms and dissections. Identifiers: Orphanet 91387, MedGen C4707243, MONDO:0019625.

Submission:

All of Us Research Program, National Institutes of Health
Classification: Uncertain significance for Familial thoracic aortic aneurysm and aortic dissection. Last evaluated: 2023-11-20. Review status: criteria provided, single submitter. Criteria: ACMG Guidelines, 2015. Collection method: clinical testing. Allele origin: germline. Inheritance: Autosomal dominant inheritance. Observed: 1 variant allele, 1 heterozygote.
Comment: This variant causes a deletion of two nucleotides in intron 3 of the MYH11 gene. To our knowledge, functional studies have not been reported for this variant. This variant has not been reported in individuals affected with MYH11-related disorders in the literature. This variant has not been identified in the general population by the Genome Aggregation Database (gnomAD). The available evidence is insufficient to determine the role of this variant in disease conclusively. Therefore, this variant is classified as a Variant of Uncertain Significance.

This study involves interpretation of variants in research participants for the purpose of population health screening. Participant phenotype was not available at the time of variant classification. Additional details can be found in publication PMID: 35346344, PMCID: PMC8962531

NM_002474.3(MYH11):c.503-10_503-9del

Gene: MYH11 (myosin heavy chain 11; minus strand). Cytogenetic location: 16p13.11.
Variant type: Deletion.
Coding change: c.503-10_503-9del on transcript NM_002474.3 (MANE Select); 10 bases into the intron before coding-DNA position 503 through 9 bases into the intron before coding-DNA position 503, 2 bases deleted (CT; older notation c.503-10_503-9delCT).
Molecular consequence: intron variant.
Genome position (GRCh38, 1-based): chr16:15,798,696-15,798,697, AG deleted on the plus strand (CT on the coding strand, the reverse complement: MYH11 is on the minus strand); deleting any 2 consecutive bases within chr16:15,798,696-15,798,698 gives the same sequence; the c. name uses the placement nearest the transcript's 3' end. VCF-style (leftmost placement, unchanged base first): chr16-15798695-CAG-C. GRCh37 (hg19) VCF-style: chr16-15892552-CAG-C.
Other names: c.503-10_503-9del (NM_022844.3, NM_001040114.2, NM_001040113.2).
Identifiers: ClinVar variation 3074543 (VCV003074543.1), dbSNP rs2506767541, ClinGen allele CA2825002390.